The following is an entry in ClinVar:

ClinVar aggregate classification (germline): Likely pathogenic (1 of 4 stars; one submission).

Conditions:
Leri-Weill dyschondrosteosis (LWD). Also called: DYSCHONDROSTEOSIS; Leri-Weill Dyschondrosteosis (LWD); Léri-Weill dyschondrosteosis. Identifiers: Orphanet 240, MedGen C0265309, MONDO:0007481, OMIM 127300.

Submission:

MVZ Dr. Eberhard & Partner Dortmund
Classification: Likely pathogenic for Leri-Weill dyschondrosteosis. Last evaluated: 2024-03-14. Review status: criteria provided, single submitter. Criteria: ACMG Guidelines, 2015. Collection method: clinical testing. Allele origin: unknown.
Comment: c.675_676insA for p.(Pro226Thrfs*165) in SHOX has not been described in the literature so far, nor is it found in reference populations of different ethnicities. The variant is expected to result in an elongation of the protein (not predicted to undergo "non-stop-decay"). The highly conserved OAR domain, which is required for protein function is located within the region affected by the frameshift. A loss of function of the SHOX protein (transcript variant SHOXa) is to be expected. Other variants that are expected to lead to a loss of the OAR domain (loss of function due to frameshift variants or premature stop codon) are listed as pathogenic in databases and literature. Classification under (additional) consideration of Durkie et al., 2014 and Tayoun et al., 2018 (PMID: 30192042).

Literature cited by the submitters: PubMed 30192042.

NM_000451.4(SHOX):c.675_676insA (p.Pro226fs)

Gene: SHOX (SHOX homeobox; plus strand). Cytogenetic location: Xp22.33.
Variant type: Insertion.
Coding change: c.675_676insA on transcript NM_000451.4 (MANE Select); coding-DNA positions 675 to 676, A inserted.
Protein change: p.Pro226fs; shifts the reading frame from proline 226.
Molecular consequence: frameshift variant. On other transcripts: intron variant (1).
Genome position: GRCh38 VCF-style: chrX-644432-C-CA. GRCh37 (hg19) VCF-style: chrX-605167-C-CA.
Other names: c.633+3345_633+3346insA (NM_006883.2); short protein forms P226fs.
Identifiers: ClinVar variation 3069196 (VCV003069196.1), dbSNP rs2522148028, ClinGen allele CA2825002937.
Genomic context (GRCh38, chrX:644,432, plus strand): 5'-GCCGGGTCCGCTCCCGCAGGTCCAGGCTCAGCTGCAGCTGGAAGGCGTGGCCCACGCGCA[C>CA]CCGCACCTGCACCCGCACCTGGCGGCGCACGCGCCCTACCTGATGTTCCCCCCGCCGCCC-3'